The following is an entry in ClinVar:

NM_001355436.2(SPTB):c.5516C>G (p.Thr1839Arg)

Gene: SPTB (spectrin beta, erythrocytic; minus strand). Cytogenetic location: 14q23.3.
Variant type: single nucleotide variant.
Coding change: c.5516C>G on transcript NM_001355436.2 (MANE Select); coding-DNA position 5516, C replaced by G.
Protein change: p.Thr1839Arg; replaces threonine 1839 with arginine.
Molecular consequence: missense variant.
Genome position (GRCh38, 1-based): chr14:64,772,617, G>C on the plus strand (C>G on the coding strand, the complement: SPTB is on the minus strand). VCF-style: chr14-64772617-G-C. GRCh37 (hg19) VCF-style: chr14-65239335-G-C.
Other names: c.5516C>G, p.Thr1839Arg (NM_001024858.4, NM_001355437.2); short protein forms T1839R.
Identifiers: ClinVar variation 4772270 (VCV004772270.1).
Genomic context (GRCh38, chr14:64,772,617, plus strand): 5'-GGGCGGCAGGGGGCTGAAGGTACCTGGACACCCAGCAGGTGGAGCTCCCGCTCGAAGGCT[G>C]TGTGCACCCGGTGGAAGGACTCGGCCGTGCTGGCGTCCAGCCCCACGTCCTCGGGCAGCT-3'
Protein context (NP_001342365.1, residues 1829-1849): STAESFHRVH[Thr1839Arg]AFERELHLLG

ClinVar aggregate classification (germline): Uncertain significance (1 of 4 stars; one submission).

gnomAD v4.1: 1 of 1,612,180 alleles (0.000062%); highest among the groups gnomAD compares: South Asian, 0.0011%; no homozygotes.

Submission:

Labcorp Genetics (formerly Invitae), Labcorp
Classification: Uncertain significance. Last evaluated: 2025-08-15. Review status: criteria provided, single submitter. Criteria: Invitae Variant Classification Sherloc (09022015). Collection method: clinical testing. Allele origin: germline.
Comment: This sequence change replaces threonine, which is neutral and polar, with arginine, which is basic and polar, at codon 1839 of the SPTB protein (p.Thr1839Arg). This variant is not present in population databases (gnomAD no frequency). This variant has not been reported in the literature in individuals affected with SPTB-related conditions. An algorithm developed to predict the effect of missense changes on protein structure and function (PolyPhen-2) suggests that this variant is likely to be disruptive. In summary, the available evidence is currently insufficient to determine the role of this variant in disease. Therefore, it has been classified as a Variant of Uncertain Significance.